The following is an entry in ClinVar:

ClinVar aggregate classification (germline): Uncertain significance (1 of 4 stars; one submission).

Conditions:
Atrioventricular septal defect 5 (AVSD5). Identifiers: MedGen C3280939, MONDO:0013769, OMIM 614474.

Allele frequency attached by ClinVar (database versions not stated): gnomAD exomes below 0.00001; ExAC 0.00001.
gnomAD v4.1: 3 of 1,598,972 alleles (0.00019%); highest among the groups gnomAD compares: Non-Finnish European, 0.00017%; no homozygotes.

Submission:

Labcorp Genetics (formerly Invitae), Labcorp
Classification: Uncertain significance for Atrioventricular septal defect 5. Last evaluated: 2021-09-05. Review status: criteria provided, single submitter. Criteria: Invitae Variant Classification Sherloc (09022015). Collection method: clinical testing. Allele origin: germline.
Comment: This variant has not been reported in the literature in individuals affected with GATA6-related conditions. This variant is present in population databases (rs780160108, ExAC 0.002%). This sequence change replaces glutamic acid with lysine at codon 31 of the GATA6 protein (p.Glu31Lys). The glutamic acid residue is weakly conserved and there is a small physicochemical difference between glutamic acid and lysine. In summary, the available evidence is currently insufficient to determine the role of this variant in disease. Therefore, it has been classified as a Variant of Uncertain Significance. Algorithms developed to predict the effect of missense changes on protein structure and function (SIFT, PolyPhen-2, Align-GVGD) all suggest that this variant is likely to be tolerated.

NM_005257.6(GATA6):c.91G>A (p.Glu31Lys)

Gene: GATA6 (GATA binding protein 6; plus strand). Cytogenetic location: 18q11.2.
Variant type: single nucleotide variant.
Coding change: c.91G>A on transcript NM_005257.6 (MANE Select); coding-DNA position 91, G replaced by A.
Protein change: p.Glu31Lys; replaces glutamic acid 31 with lysine.
Molecular consequence: missense variant.
Genome position (GRCh38, 1-based): chr18:22,171,235, G>A. VCF-style: chr18-22171235-G-A. GRCh37 (hg19) VCF-style: chr18-19751196-G-A.
Other names: short protein forms E31K.
Identifiers: ClinVar variation 1366251 (VCV001366251.6), dbSNP rs780160108, ClinGen allele CA8908805.